The following is an entry in ClinVar:

ClinVar aggregate classification (germline): Benign. Review status: criteria provided, single submitter (1 of 4 stars). 2 submissions from 1 submitter: Benign (2). Last evaluated 2018-01-13.

Conditions:
Craniometaphyseal dysplasia, autosomal dominant (CMDD). Identifiers: Orphanet 1522, MedGen C1852502, MONDO:0007397, OMIM 123000.
Chondrocalcinosis 2. Also called: Familial calcium pyrophosphate deposition; CALCIUM GOUT; CALCIUM PYROPHOSPHATE ARTHROPATHY. Identifiers: Orphanet 1416, MedGen C0856830, MONDO:0007319, OMIM 118600.

Allele frequency attached by ClinVar (database versions not stated): 1000 Genomes Project 0.00938; gnomAD 0.01012 and 0.01091; 1000 Genomes Project 30x 0.01046; TOPMed 0.01118.

Submissions (2):

Illumina Laboratory Services, Illumina
Classification: Benign for Craniometaphyseal dysplasia, autosomal dominant. Last evaluated: 2018-01-13. Review status: criteria provided, single submitter. Criteria: ICSL Variant Classification Criteria 13 December 2019. Collection method: clinical testing. Allele origin: germline.
Comment: This variant was observed in the ICSL laboratory as part of a predisposition screen in an ostensibly healthy population. It had not been previously curated by ICSL or reported in the Human Gene Mutation Database (HGMD: prior to June 1st, 2018), and was therefore a candidate for classification through an automated scoring system. Utilizing variant allele frequency, disease prevalence and penetrance estimates, and inheritance mode, an automated score was calculated to assess if this variant is too frequent to cause the disease. Based on the score and internal cut-off values, a variant classified as benign is not then subjected to further curation. The score for this variant resulted in a classification of benign for this disease.

Illumina Laboratory Services, Illumina
Classification: Benign for Chondrocalcinosis 2. Last evaluated: 2018-01-13. Review status: criteria provided, single submitter. Criteria: ICSL Variant Classification Criteria 13 December 2019. Collection method: clinical testing. Allele origin: germline.
Comment: the same text as in the submission from Illumina Laboratory Services, Illumina above.

NM_054027.6(ANKH):c.*5759G>C

Genes: ANKH (ANKH inorganic pyrophosphate transport regulator; minus strand), OTULIN (OTU deubiquitinase with linear linkage specificity; plus strand). Cytogenetic location: 5p15.2.
Variant type: single nucleotide variant.
Coding change: c.*5759G>C on transcript NM_054027.6 (MANE Select); 5759 bases downstream of the stop codon, G replaced by C.
Molecular consequence: 3 prime UTR variant.
Genome position (GRCh38, 1-based): chr5:14,705,438, C>G on the plus strand (G>C on the coding strand, the complement: ANKH is on the minus strand). VCF-style: chr5-14705438-C-G. GRCh37 (hg19) VCF-style: chr5-14705547-C-G.
Identifiers: ClinVar variation 907800 (VCV000907800.4), dbSNP rs116362523, ClinGen allele CA114019361.
Genomic context (GRCh38, chr5:14,705,438, plus strand): 5'-TCTAAATCCTAGATCATAAACAGAATGTTAGATCAGGAAGGGGCCTTAGCAATAATGGCT[C>G]AAGCCTCCCATTGGACAGATGAGCAAGGTGAGGCCAAGAAGCGTGAGTGATATGGAAGCC-3'